The following is an entry in ClinVar:

ClinVar aggregate classification (germline): Uncertain significance (1 of 4 stars; one submission).

Conditions:
Multiple endocrine neoplasia, type 2 (MEN2). Identifiers: Orphanet 653, MedGen C4048306, MONDO:0019003. Disease mechanism: gain of function.

Submission:

Labcorp Genetics (formerly Invitae), Labcorp
Classification: Uncertain significance for Multiple endocrine neoplasia, type 2. Last evaluated: 2022-01-27. Review status: criteria provided, single submitter. Criteria: Invitae Variant Classification Sherloc (09022015). Collection method: clinical testing. Allele origin: germline.
Comment: This sequence change replaces glutamine, which is neutral and polar, with histidine, which is basic and polar, at codon 326 of the RET protein (p.Gln326His). This variant is not present in population databases (gnomAD no frequency). This variant has not been reported in the literature in individuals affected with RET-related conditions. ClinVar contains an entry for this variant (Variation ID: 861186). Algorithms developed to predict the effect of missense changes on protein structure and function (SIFT, PolyPhen-2, Align-GVGD) all suggest that this variant is likely to be tolerated. In summary, the available evidence is currently insufficient to determine the role of this variant in disease. Therefore, it has been classified as a Variant of Uncertain Significance.

NM_020975.6(RET):c.978G>C (p.Gln326His)

Gene: RET (ret proto-oncogene; plus strand). Cytogenetic location: 10q11.21.
Variant type: single nucleotide variant.
Coding change: c.978G>C on transcript NM_020975.6 (MANE Select); coding-DNA position 978, G replaced by C.
Protein change: p.Gln326His; replaces glutamine 326 with histidine.
Molecular consequence: missense variant.
Genome position (GRCh38, 1-based): chr10:43,106,486, G>C. VCF-style: chr10-43106486-G-C. GRCh37 (hg19) VCF-style: chr10-43601934-G-C.
Other names: c.978G>C, p.Gln326His (NM_000323.2, NM_001406743.1, NM_001406744.1 and 6 more transcripts); c.216G>C, p.Gln72His (NM_001355216.2); c.849G>C, p.Gln283His (NM_001406761.1, NM_001406762.1, NM_001406764.1 and 1 more transcripts); c.690G>C, p.Gln230His (NM_001406766.1, NM_001406767.1, NM_001406770.1); short protein forms Q72H, Q326H, Q283H, Q230H.
Identifiers: ClinVar variation 861186 (VCV000861186.10), dbSNP rs1837781231, ClinGen allele CA376546213.